The following is an entry in ClinVar:

NM_172107.4(KCNQ2):c.2328C>T (p.Pro776=)

Gene: KCNQ2 (potassium voltage-gated channel subfamily Q member 2; minus strand). Cytogenetic location: 20q13.33.
Variant type: single nucleotide variant.
Coding change: c.2328C>T on transcript NM_172107.4 (MANE Select); coding-DNA position 2328, C replaced by T.
Protein change: p.Pro776=; no amino-acid change (proline 776 retained).
Molecular consequence: synonymous variant.
Genome position (GRCh38, 1-based): chr20:63,406,935, G>A on the plus strand (C>T on the coding strand, the complement: KCNQ2 is on the minus strand). VCF-style: chr20-63406935-G-A. GRCh37 (hg19) VCF-style: chr20-62038288-G-A.
Other names: c.2244C>T, p.Pro748= (NM_004518.6); c.2274C>T, p.Pro758= (NM_172106.3); c.2235C>T, p.Pro745= (NM_172108.5); c.2328C>T (NM_172107.3).
Identifiers: ClinVar variation 704419 (VCV000704419.12), dbSNP rs1601542678, ClinGen allele CA511339300.

ClinVar aggregate classification (germline): Likely benign. Review status: criteria provided, multiple submitters, no conflicts (2 of 4 stars). 3 submissions from 3 submitters: Likely benign (3). Last evaluated 2026-03-03.

Conditions:
Early-infantile DEE. Also called: Ohtahara syndrome; Early infantile epileptic encephalopathy with suppression bursts; Early infantile epileptic encephalopathy. Identifiers: Orphanet 1934, MedGen C0393706, MONDO:0800491.
Inborn genetic diseases. Identifiers: MedGen C0950123, MeSH D030342.
KCNQ2-Related Disorders. Also called: KCNQ2-related condition; KCNQ2-related disorder. Identifiers: MedGen CN169299.

Allele frequency attached by ClinVar (database versions not stated): TOPMed below 0.00001.
gnomAD v4.1: 4 of 1,598,842 alleles (0.00025%); highest among the groups gnomAD compares: Non-Finnish European, 0.00034%; no homozygotes.

Submissions (3):

PreventionGenetics, part of Exact Sciences
Classification: Likely benign for KCNQ2-related condition. Last evaluated: 2026-03-03. Review status: criteria provided, single submitter. Criteria: ACMG Guidelines, 2015. Collection method: clinical testing. Allele origin: germline.
Comment: This variant is classified as likely benign based on ACMG/AMP sequence variant interpretation guidelines (Richards et al. 2015 PMID: 25741868, with internal and published modifications).

Labcorp Genetics (formerly Invitae), Labcorp
Classification: Likely benign for Early-infantile DEE. Last evaluated: 2023-07-14. Review status: criteria provided, single submitter. Criteria: Invitae Variant Classification Sherloc (09022015). Collection method: clinical testing. Allele origin: germline.

Ambry Genetics
Classification: Likely benign for Inborn genetic diseases. Last evaluated: 2018-01-18. Review status: criteria provided, single submitter. Criteria: Ambry Variant Classification Scheme 2023. Collection method: clinical testing. Allele origin: germline.